The following is an entry in ClinVar:

NM_001160372.4(TRAPPC9):c.3225C>T (p.Tyr1075=)

Gene: TRAPPC9 (trafficking protein particle complex subunit 9; minus strand). Cytogenetic location: 8q24.3.
Variant type: single nucleotide variant.
Coding change: c.3225C>T on transcript NM_001160372.4 (MANE Select); coding-DNA position 3225, C replaced by T.
Protein change: p.Tyr1075=; no amino-acid change (tyrosine 1075 retained).
Molecular consequence: synonymous variant. On other transcripts: non-coding transcript variant (1).
Genome position (GRCh38, 1-based): chr8:139,732,033, G>A on the plus strand (C>T on the coding strand, the complement: TRAPPC9 is on the minus strand). VCF-style: chr8-139732033-G-A. GRCh37 (hg19) VCF-style: chr8-140744276-G-A.
Other names: c.3198C>T, p.Tyr1066= (NM_001321646.2); c.3246C>T, p.Tyr1082= (NM_001374682.1); c.3114C>T, p.Tyr1038= (NM_001374683.1); c.3081C>T, p.Tyr1027= (NM_001374684.1); c.3225C>T, p.Tyr1075= (NM_031466.8).
Identifiers: ClinVar variation 130631 (VCV000130631.27), dbSNP rs58740567, ClinGen allele CA155781.
Genomic context (GRCh38, chr8:139,732,033, plus strand): 5'-ACGCACCGCGTCGAGGTAGAAGGTGCTGGAGCCCACGAAGGAGACGGTGTCGTGCAGGTC[G>A]TAGTTGTGCACGCCGTTCTGGTGGTCCTGGAAGGGGACCACAGTGAGGGCGAAGGGCCCT-3'
Protein context (NP_001153844.1, residues 1065-1085): FQDHQNGVHN[Tyr1075=]DLHDTVSFVG

ClinVar aggregate classification (germline): Benign/Likely benign. Review status: criteria provided, multiple submitters, no conflicts (2 of 4 stars). 5 submissions from 5 submitters: Benign (2); Likely benign (2). 1 of the submissions does not count toward it. Last evaluated 2026-01-27.

Conditions:
Inborn genetic diseases. Identifiers: MedGen C0950123, MeSH D030342.

Allele frequency attached by ClinVar (database versions not stated): ExAC 0.00551; TOPMed 0.01083; ESP Exome Variant Server 0.01123; 1000 Genomes Project 0.01138; 1000 Genomes Project 30x 0.01359.
gnomAD v4.1: 3,349 of 1,604,026 alleles (0.21%); highest among the groups gnomAD compares: African/African-American, 3.6%; 51 homozygotes.

Submissions (5):

Labcorp Genetics (formerly Invitae), Labcorp
Classification: Benign. Last evaluated: 2026-01-27. Review status: criteria provided, single submitter. Criteria: Invitae Variant Classification Sherloc (09022015). Collection method: clinical testing. Allele origin: germline.

GeneDx
Classification: Likely benign. Last evaluated: 2020-10-16. Review status: criteria provided, single submitter. Criteria: GeneDx Variant Classification Process June 2021. Collection method: clinical testing. Allele origin: germline. Affected: yes.

Ambry Genetics
Classification: Benign for Inborn genetic diseases. Last evaluated: 2016-05-14. Review status: criteria provided, single submitter. Criteria: Ambry Variant Classification Scheme 2023. Collection method: clinical testing. Allele origin: germline.

Breakthrough Genomics
Classification: Likely benign. Review status: criteria provided, single submitter. Criteria: ACMG Guidelines, 2015. Collection method: not provided. Allele origin: germline. Inheritance: Autosomal recessive inheritance. Affected: yes.

Genetic Services Laboratory, University of Chicago
Classification: Likely benign for AllHighlyPenetrant. Review status: no assertion criteria provided. Collection method: clinical testing. Allele origin: germline. Inheritance: Autosomal recessive inheritance. Not counted in ClinVar's aggregate classification.
Comment: Likely benign based on allele frequency in 1000 Genomes Project or ESP global frequency and its presence in a patient with a rare or unrelated disease phenotype. NOT Sanger confirmed.